The following is an entry in ClinVar:

NM_182760.4(SUMF1):c.*291G>A

Gene: SUMF1 (sulfatase modifying factor 1; minus strand). Cytogenetic location: 3p26.1.
Variant type: single nucleotide variant.
Coding change: c.*291G>A on transcript NM_182760.4 (MANE Select); 291 bases downstream of the stop codon, G replaced by A.
Molecular consequence: 3 prime UTR variant.
Genome position (GRCh38, 1-based): chr3:4,361,853, C>T on the plus strand (G>A on the coding strand, the complement: SUMF1 is on the minus strand). VCF-style: chr3-4361853-C-T. GRCh37 (hg19) VCF-style: chr3-4403537-C-T.
Other names: c.*291G>A (NM_001164674.2, NM_001164675.2).
Identifiers: ClinVar variation 345308 (VCV000345308.8), dbSNP rs4685744, ClinGen allele CA10618789.
Genomic context (GRCh38, chr3:4,361,853, plus strand): 5'-GCCCAGGAAGGTCAAGCGTCGGACCTGGGGTCTAACCCCTGTGGCAGAGCCTGCGTAGGA[C>T]GCGGGCCTCCTGAAGCCTAGCTCAGGGTTCCCTCCACTCCCCTTCCTCTTTAAAGACTCT-3'

ClinVar aggregate classification (germline): Benign. Review status: criteria provided, multiple submitters, no conflicts (2 of 4 stars). 3 submissions from 3 submitters: Benign (3). Last evaluated 2018-06-19.

Conditions:
Multiple sulfatase deficiency (MSD). Also called: Mucosulfatidosis; Multiple Sulfatase Deficiency Disease; Sulfatidosis, Juvenile, Austin Type. Identifiers: Orphanet 585, MedGen C0268263, MONDO:0010088, OMIM 272200.

Allele frequency attached by ClinVar (database versions not stated): 1000 Genomes Project 30x 0.41896; gnomAD 0.42078 and 0.42620; TOPMed 0.42407; 1000 Genomes Project 0.42812; gnomAD exomes 0.48532.
gnomAD v4.1: 190,100 of 409,936 alleles (46%); highest among the groups gnomAD compares: East Asian, 61%; 46,503 homozygotes.

Submissions (3):

GeneDx
Classification: Benign. Last evaluated: 2018-06-19. Review status: criteria provided, single submitter. Criteria: GeneDx Variant Classification Process June 2021. Collection method: clinical testing. Allele origin: germline. Affected: yes.

Illumina Laboratory Services, Illumina
Classification: Benign for Multiple sulfatase deficiency. Last evaluated: 2018-01-12. Review status: criteria provided, single submitter. Criteria: ICSL Variant Classification Criteria 13 December 2019. Collection method: clinical testing. Allele origin: germline.
Comment: This variant was observed in the ICSL laboratory as part of a predisposition screen in an ostensibly healthy population. It had not been previously curated by ICSL or reported in the Human Gene Mutation Database (HGMD: prior to June 1st, 2018), and was therefore a candidate for classification through an automated scoring system. Utilizing variant allele frequency, disease prevalence and penetrance estimates, and inheritance mode, an automated score was calculated to assess if this variant is too frequent to cause the disease. Based on the score and internal cut-off values, a variant classified as benign is not then subjected to further curation. The score for this variant resulted in a classification of benign for this disease.

Breakthrough Genomics
Classification: Benign. Review status: criteria provided, single submitter. Criteria: ACMG Guidelines, 2015. Collection method: not provided. Allele origin: germline. Inheritance: Autosomal recessive inheritance. Affected: yes.